The following is an entry in ClinVar:

ClinVar aggregate classification (germline): Uncertain significance. Review status: criteria provided, multiple submitters, no conflicts (2 of 4 stars). 2 submissions from 2 submitters: Uncertain significance (2). Last evaluated 2025-04-15.

Conditions:
Inborn genetic diseases. Identifiers: MedGen C0950123, MeSH D030342.

Allele frequency attached by ClinVar (database versions not stated): TOPMed below 0.00001; gnomAD 0.00001; gnomAD exomes 0.00001; ExAC 0.00002.
gnomAD v4.1: 19 of 1,613,912 alleles (0.0012%); highest among the groups gnomAD compares: Middle Eastern, 0.016%; no homozygotes.

Submissions (2):

Ambry Genetics
Classification: Uncertain significance for Inborn genetic diseases. Last evaluated: 2025-04-15. Review status: criteria provided, single submitter. Criteria: Ambry Variant Classification Scheme 2023. Collection method: clinical testing. Allele origin: germline.

Women's Health and Genetics/Laboratory Corporation of America, LabCorp
Classification: Uncertain significance. Last evaluated: 2023-01-27. Review status: criteria provided, single submitter. Criteria: LabCorp Variant Classification Summary - May 2015. Collection method: clinical testing. Allele origin: germline.
Comment: Variant summary: FAT4 c.12011C>T (p.Thr4004Met) results in a non-conservative amino acid change located in the first laminin globular (G) domain (IPR001791) of the encoded protein sequence. Four of four in-silico tools predict a damaging effect of the variant on protein function. The variant allele was found at a frequency of 2.4e-05 in 251410 control chromosomes (gnomAD). The available data on variant occurrences in the general population are insufficient to allow any conclusion about variant significance. To our knowledge, no occurrence of c.12011C>T in individuals affected with FAT4-Related Disorders and no experimental evidence demonstrating its impact on protein function have been reported. No clinical diagnostic laboratories have submitted clinical-significance assessments for this variant to ClinVar after 2014. Based on the evidence outlined above, the variant was classified as uncertain significance.

NM_001291303.3(FAT4):c.12017C>T (p.Thr4006Met)

Gene: FAT4 (FAT atypical cadherin 4; plus strand). Cytogenetic location: 4q28.1.
Variant type: single nucleotide variant.
Coding change: c.12017C>T on transcript NM_001291303.3 (MANE Select); coding-DNA position 12017, C replaced by T.
Protein change: p.Thr4006Met; replaces threonine 4006 with methionine.
Molecular consequence: missense variant.
Genome position (GRCh38, 1-based): chr4:125,468,623, C>T. VCF-style: chr4-125468623-C-T. GRCh37 (hg19) VCF-style: chr4-126389778-C-T.
Other names: c.12017C>T, p.Thr4006Met (NM_001291285.3); c.12011C>T, p.Thr4004Met (NM_024582.6); short protein forms T4004M, T4006M.
Identifiers: ClinVar variation 2429286 (VCV002429286.4), dbSNP rs776319087, ClinGen allele CA3073987.
Genomic context (GRCh38, chr4:125,468,623, plus strand): 5'-CATACATGGAATTTCCAAGCTTGGACCCCAATAACAACTATATTTATGTCAAATTTGCCA[C>T]GATTAAAAGTCATGCCTTATTGCTTTACAACTATGACAACCAGACAGGCGACCGGGCTGA-3'
Protein context (NP_001278232.1, residues 3996-4016): NNNYIYVKFA[Thr4006Met]IKSHALLLYN